The following is an entry in ClinVar:

NM_001267550.2(TTN):c.25105G>A (p.Val8369Ile)

Gene: TTN (titin; minus strand). Cytogenetic location: 2q31.2.
Variant type: single nucleotide variant.
Coding change: c.25105G>A on transcript NM_001267550.2 (MANE Select); coding-DNA position 25105, G replaced by A.
Protein change: p.Val8369Ile; replaces valine 8369 with isoleucine.
Molecular consequence: missense variant. On other transcripts: intron variant (3).
Genome position (GRCh38, 1-based): chr2:178,717,769, C>T on the plus strand (G>A on the coding strand, the complement: TTN is on the minus strand). VCF-style: chr2-178717769-C-T. GRCh37 (hg19) VCF-style: chr2-179582496-C-T.
Other names: c.24154G>A, p.Val8052Ile (NM_001256850.1); c.21373G>A, p.Val7125Ile (NM_133378.4); c.13282+20313G>A (NM_003319.4); c.13858+20313G>A (NM_133437.4); c.13657+20313G>A (NM_133432.3); short protein forms V8369I, V7125I, V8052I.
Identifiers: ClinVar variation 404642 (VCV000404642.5), dbSNP rs755722481, ClinGen allele CA16610502.
Genomic context (GRCh38, chr2:178,717,769, plus strand): 5'-GAGGTTCTGAGCCATTGATGCGGCATTCAAATGCAACTGGGAAGCCTAGAGTCTCATGAA[C>T]GTCTTTCAGTTTTCTTGCAAAGAAAGGTGGAAGTTTGCGCGCTGTAAAGAAGTTACAGAT-3'
Protein context (NP_001254479.2, residues 8359-8379): PPFFARKLKD[Val8369Ile]HETLGFPVAF

ClinVar aggregate classification (germline): Uncertain significance. Review status: criteria provided, multiple submitters, no conflicts (2 of 4 stars). 2 submissions from 2 submitters: Uncertain significance (2). Last evaluated 2026-05-01.

Conditions:
Autosomal recessive limb-girdle muscular dystrophy type 2J (LGMDR10). Also called: Limb-girdle muscular dystrophy, type 2J; MUSCULAR DYSTROPHY, LIMB-GIRDLE, AUTOSOMAL RECESSIVE 10. Identifiers: Orphanet 140922, MedGen C1837342, MONDO:0012127, OMIM 608807.
Dilated cardiomyopathy 1G (CMD1G). Identifiers: Orphanet 154, MedGen C1858763, MONDO:0011400, OMIM 604145.

gnomAD v4.1: 11 of 1,609,228 alleles (0.00068%); highest among the groups gnomAD compares: Non-Finnish European, 0.00085%; no homozygotes.

Submissions (2):

CeGaT Center for Human Genetics Tuebingen
Classification: Uncertain significance. Last evaluated: 2026-05-01. Review status: criteria provided, single submitter. Criteria: CeGaT Center For Human Genetics Tuebingen Variant Classification Criteria Version 2. Collection method: clinical testing. Allele origin: germline. Affected: yes. Observed: 1 variant allele.
Comment: TTN: PM2, BP4

Labcorp Genetics (formerly Invitae), Labcorp
Classification: Uncertain significance for Dilated cardiomyopathy 1G; Autosomal recessive limb-girdle muscular dystrophy type 2J. Last evaluated: 2016-05-08. Review status: criteria provided, single submitter. Criteria: Invitae Variant Classification Sherloc (09022015). Collection method: clinical testing. Allele origin: germline.